The following is an entry in ClinVar:

NM_181486.4(TBX5):c.*960A>G

Gene: TBX5 (T-box transcription factor 5; minus strand). Cytogenetic location: 12q24.21.
Variant type: single nucleotide variant.
Coding change: c.*960A>G on transcript NM_181486.4 (MANE Select); 960 bases downstream of the stop codon, A replaced by G.
Molecular consequence: 3 prime UTR variant.
Genome position (GRCh38, 1-based): chr12:114,354,572, T>C on the plus strand (A>G on the coding strand, the complement: TBX5 is on the minus strand). VCF-style: chr12-114354572-T-C. GRCh37 (hg19) VCF-style: chr12-114792377-T-C.
Other names: c.*960A>G (NM_000192.3, NM_080717.4).
Identifiers: ClinVar variation 307276 (VCV000307276.5), dbSNP rs566107581, ClinGen allele CA10640312.
Genomic context (GRCh38, chr12:114,354,572, plus strand): 5'-TGCTTGACATCCAGTTTGGGTTGTTGGTGATGGAGGTTTGGAAGGTTGGGGCTGGCCTTG[T>C]TTTTTTCAAAAAAAATTTTTTTAATCAGGAAGAATATTTATTTTGGCTTTTTGTCCACAA-3'

ClinVar aggregate classification (germline): Benign (1 of 4 stars; one submission).

Conditions:
Holt-Oram syndrome (HOS). Also called: Ventriculo-radial syndrome; Cardiac-limb syndrome; Heart-hand syndrome, type 1; TBX5-Related Holt-Oram Syndrome. Identifiers: Orphanet 392, MedGen C0265264, MONDO:0007732, OMIM 142900.

Allele frequency attached by ClinVar (database versions not stated): gnomAD 0.00024 and 0.00048; 1000 Genomes Project 30x 0.00172; 1000 Genomes Project 0.00200; TOPMed 0.00038.

Submission:

Illumina Laboratory Services, Illumina
Classification: Benign for Holt-Oram syndrome. Last evaluated: 2018-01-13. Review status: criteria provided, single submitter. Criteria: ICSL Variant Classification Criteria 13 December 2019. Collection method: clinical testing. Allele origin: germline.
Comment: This variant was observed in the ICSL laboratory as part of a predisposition screen in an ostensibly healthy population. It had not been previously curated by ICSL or reported in the Human Gene Mutation Database (HGMD: prior to June 1st, 2018), and was therefore a candidate for classification through an automated scoring system. Utilizing variant allele frequency, disease prevalence and penetrance estimates, and inheritance mode, an automated score was calculated to assess if this variant is too frequent to cause the disease. Based on the score and internal cut-off values, a variant classified as benign is not then subjected to further curation. The score for this variant resulted in a classification of benign for this disease.